The following is an entry in ClinVar:

NM_002890.3(RASA1):c.2978G>A (p.Arg993His)

Genes: CCNH (cyclin H; minus strand), RASA1 (RAS p21 protein activator 1; plus strand). Cytogenetic location: 5q14.3.
Variant type: single nucleotide variant.
Coding change: c.2978G>A on transcript NM_002890.3 (MANE Select); coding-DNA position 2978, G replaced by A.
Protein change: p.Arg993His; replaces arginine 993 with histidine.
Molecular consequence: missense variant. On other transcripts: intron variant (1).
Genome position (GRCh38, 1-based): chr5:87,389,445, G>A. VCF-style: chr5-87389445-G-A. GRCh37 (hg19) VCF-style: chr5-86685262-G-A.
Other names: c.2447G>A, p.Arg816His (NM_022650.3); c.933+5599C>T (NM_001364075.2); short protein forms R993H, R816H.
Identifiers: ClinVar variation 1798351 (VCV001798351.7), dbSNP rs776455532, ClinGen allele CA121822060.

ClinVar aggregate classification (germline): Uncertain significance. Review status: criteria provided, multiple submitters, no conflicts (2 of 4 stars). 2 submissions from 2 submitters: Uncertain significance (2). Last evaluated 2022-03-15.

Conditions:
Capillary malformation-arteriovenous malformation syndrome. Also called: Capillary malformation-arteriovenous malformation. Identifiers: Orphanet 137667, MedGen C1842180, MONDO:0012016.
Cardiovascular phenotype. Identifiers: MedGen CN230736.

Allele frequency attached by ClinVar (database versions not stated): gnomAD exomes below 0.00001.
gnomAD v4.1: 1 of 1,614,162 alleles (0.000062%); highest among the groups gnomAD compares: Non-Finnish European, 0.000085%; no homozygotes.

Submissions (2):

Labcorp Genetics (formerly Invitae), Labcorp
Classification: Uncertain significance for Capillary malformation-arteriovenous malformation syndrome. Last evaluated: 2022-03-15. Review status: criteria provided, single submitter. Criteria: Invitae Variant Classification Sherloc (09022015). Collection method: clinical testing. Allele origin: germline.
Comment: In summary, the available evidence is currently insufficient to determine the role of this variant in disease. Therefore, it has been classified as a Variant of Uncertain Significance. Algorithms developed to predict the effect of missense changes on protein structure and function (SIFT, PolyPhen-2, Align-GVGD) all suggest that this variant is likely to be disruptive. This variant has not been reported in the literature in individuals affected with RASA1-related conditions. This variant is not present in population databases (gnomAD no frequency). This sequence change replaces arginine, which is basic and polar, with histidine, which is basic and polar, at codon 993 of the RASA1 protein (p.Arg993His).

Ambry Genetics
Classification: Uncertain significance for Cardiovascular phenotype. Last evaluated: 2021-12-24. Review status: criteria provided, single submitter. Criteria: Ambry Variant Classification Scheme 2023. Collection method: clinical testing. Allele origin: germline.
Comment: The p.R993H variant (also known as c.2978G>A), located in coding exon 24 of the RASA1 gene, results from a G to A substitution at nucleotide position 2978. The arginine at codon 993 is replaced by histidine, an amino acid with highly similar properties. This amino acid position is conserved. In addition, the in silico prediction for this alteration is inconclusive. Since supporting evidence is limited at this time, the clinical significance of this alteration remains unclear.